The following is an entry in ClinVar:

NM_000492.4(CFTR):c.3163C>T (p.Leu1055Phe)

Genes: CFTR (CF transmembrane conductance regulator; plus strand), CFTR-AS2 (CFTR antisense RNA 2; minus strand), LOC111674472 (DNase I hypersensitive sites in introns 16 and 17a of CFTR; plus strand). Cytogenetic location: 7q31.2.
Variant type: single nucleotide variant.
Coding change: c.3163C>T on transcript NM_000492.4 (MANE Select); coding-DNA position 3163, C replaced by T.
Protein change: p.Leu1055Phe; replaces leucine 1055 with phenylalanine.
Molecular consequence: missense variant.
Genome position (GRCh38, 1-based): chr7:117,611,604, C>T. VCF-style: chr7-117611604-C-T. GRCh37 (hg19) VCF-style: chr7-117251658-C-T.
Other names: short protein forms L1055F.
Identifiers: ClinVar variation 3266650 (VCV003266650.1).

ClinVar aggregate classification (germline): Uncertain significance (1 of 4 stars; one submission).

Conditions:
Cystic fibrosis (CF). Also called: MUCOVISCIDOSIS. Identifiers: Orphanet 586, MedGen C0010674, MONDO:0009061, OMIM 219700. Disease mechanism: loss of function.

Submission:

Ambry Genetics
Classification: Uncertain significance for Cystic fibrosis. Last evaluated: 2024-03-28. Review status: criteria provided, single submitter. Criteria: Ambry Variant Classification Scheme 2023. Collection method: clinical testing. Allele origin: germline.
Comment: The p.L1055F variant (also known as c.3163C>T), located in coding exon 20 of the CFTR gene, results from a C to T substitution at nucleotide position 3163. The leucine at codon 1055 is replaced by phenylalanine, an amino acid with highly similar properties. This amino acid position is conserved. In addition, the in silico prediction for this alteration is inconclusive. Based on the available evidence, the clinical significance of this alteration remains unclear.